The following is an entry in ClinVar:

ClinVar aggregate classification (germline): Uncertain significance (1 of 4 stars; one submission).

Conditions:
Familial thoracic aortic aneurysm and aortic dissection (TAAD). Also called: Thoracic aortic aneurysms and dissections. Identifiers: Orphanet 91387, MedGen C4707243, MONDO:0019625.

Submission:

Ambry Genetics
Classification: Uncertain significance for Familial thoracic aortic aneurysm and aortic dissection. Last evaluated: 2025-03-17. Review status: criteria provided, single submitter. Criteria: Ambry Variant Classification Scheme 2023. Collection method: clinical testing. Allele origin: germline.
Comment: The p.I1145V variant (also known as c.3433A>G), located in coding exon 21 of the FLNA gene, results from an A to G substitution at nucleotide position 3433. The isoleucine at codon 1145 is replaced by valine, an amino acid with highly similar properties. This amino acid position is well conserved in available vertebrate species. In addition, this alteration is predicted to be tolerated by in silico analysis. Based on the available evidence, the clinical significance of this variant remains unclear.

NM_001110556.2(FLNA):c.3433A>G (p.Ile1145Val)

Gene: FLNA (filamin A; minus strand). Cytogenetic location: Xq28.
Variant type: single nucleotide variant.
Coding change: c.3433A>G on transcript NM_001110556.2 (MANE Select); coding-DNA position 3433, A replaced by G.
Protein change: p.Ile1145Val; replaces isoleucine 1145 with valine.
Molecular consequence: missense variant.
Genome position (GRCh38, 1-based): chrX:154,360,362, T>C on the plus strand (A>G on the coding strand, the complement: FLNA is on the minus strand). VCF-style: chrX-154360362-T-C. GRCh37 (hg19) VCF-style: chrX-153588730-T-C.
Other names: c.3433A>G, p.Ile1145Val (NM_001456.4); short protein forms I1145V.
Identifiers: ClinVar variation 4025557 (VCV004025557.1).
Genomic context (GRCh38, chrX:154,360,362, plus strand): 5'-ACTTGACTTTGGATGCGTCAAAGCAGGGAACCACGTGGGCCTTGAATGGGGAGCCAGGGA[T>C]GTGGGTGTCAGCGAAGAGGATGTTGATGTTGTAGTCCCCGGGCTCGGTGGGCACGTAGGA-3'
Protein context (NP_001104026.1, residues 1135-1155): NINILFADTH[Ile1145Val]PGSPFKAHVV